The following is an entry in ClinVar:

NM_006796.3(AFG3L2):c.2104C>T (p.Arg702Ter)

Gene: AFG3L2 (AFG3 like matrix AAA peptidase subunit 2; minus strand). Cytogenetic location: 18p11.21.
Variant type: single nucleotide variant.
Coding change: c.2104C>T on transcript NM_006796.3 (MANE Select); coding-DNA position 2104, C replaced by T.
Protein change: p.Arg702Ter; replaces arginine 702 with a stop codon.
Molecular consequence: nonsense.
Genome position (GRCh38, 1-based): chr18:12,337,412, G>A on the plus strand (C>T on the coding strand, the complement: AFG3L2 is on the minus strand). VCF-style: chr18-12337412-G-A. GRCh37 (hg19) VCF-style: chr18-12337411-G-A.
Other names: short protein forms R702*.
Identifiers: ClinVar variation 2790911 (VCV002790911.4), dbSNP rs754307169, ClinGen allele CA8896309.

ClinVar aggregate classification (germline): Conflicting classifications of pathogenicity. Review status: criteria provided, conflicting classifications (1 of 4 stars). 2 submissions from 2 submitters: Pathogenic (1); Uncertain significance (1). Last evaluated 2023-04-11.

Allele frequency attached by ClinVar (database versions not stated): ExAC 0.00001; gnomAD exomes 0.00001.
gnomAD v4.1: 14 of 1,613,850 alleles (0.00087%); highest among the groups gnomAD compares: East Asian, 0.0022%; no homozygotes.

Submissions (2):

Labcorp Genetics (formerly Invitae), Labcorp
Classification: Pathogenic. Last evaluated: 2023-04-11. Review status: criteria provided, single submitter. Criteria: Invitae Variant Classification Sherloc (09022015). Collection method: clinical testing. Allele origin: germline.
Comment: For these reasons, this variant has been classified as Pathogenic. This variant has not been reported in the literature in individuals affected with AFG3L2-related conditions. This variant is present in population databases (rs754307169, gnomAD 0.002%). This sequence change creates a premature translational stop signal (p.Arg702*) in the AFG3L2 gene. It is expected to result in an absent or disrupted protein product. Loss-of-function variants in AFG3L2 are known to be pathogenic (PMID: 32248051).

Blueprint Genetics
Classification: Uncertain significance. Last evaluated: 2021-07-02. Review status: criteria provided, single submitter. Criteria: ACMG Guidelines, 2015. Collection method: clinical testing. Allele origin: germline.

Literature cited by the submitters: PubMed 32248051 (cited by Labcorp Genetics (formerly Invitae), Labcorp).